The following is an entry in ClinVar:

ClinVar aggregate classification (germline): Pathogenic (1 of 4 stars; one submission).

Submission:

GeneDx
Classification: Pathogenic. Last evaluated: 2024-09-30. Review status: criteria provided, single submitter. Criteria: GeneDx Variant Classification Process June 2021. Collection method: clinical testing. Allele origin: germline. Affected: yes.
Comment: Not observed at significant frequency in large population cohorts (gnomAD); In silico analysis supports that this missense variant has a deleterious effect on protein structure/function; Has not been previously published as pathogenic or benign to our knowledge

NM_177559.3(CSNK2A1):c.467A>G (p.Asp156Gly)

Gene: CSNK2A1 (casein kinase 2 alpha 1; minus strand). Cytogenetic location: 20p13.
Variant type: single nucleotide variant.
Coding change: c.467A>G on transcript NM_177559.3 (MANE Select); coding-DNA position 467, A replaced by G.
Protein change: p.Asp156Gly; replaces aspartic acid 156 with glycine.
Molecular consequence: missense variant.
Genome position (GRCh38, 1-based): chr20:495,762, T>C on the plus strand (A>G on the coding strand, the complement: CSNK2A1 is on the minus strand). VCF-style: chr20-495762-T-C. GRCh37 (hg19) VCF-style: chr20-476406-T-C.
Other names: c.467A>G, p.Asp156Gly (NM_001362770.2, NM_001362771.2, NM_001895.4); c.59A>G, p.Asp20Gly (NM_177560.3); short protein forms D156G, D20G.
Identifiers: ClinVar variation 3774820 (VCV003774820.1).
Genomic context (GRCh38, chr20:495,762, plus strand): 5'-TCAGCCTATCACTTTACCTTTCTGTGCTCATGATCAATCATGACATTATGGGGCTTGACA[T>C]CTCTGTGCATAATTCCCATGCTGTGACAATAATCCAGGGCCTGTGGGATGAACGGGTCAG-3'
Protein context (NP_808227.1, residues 146-166): YCHSMGIMHR[Asp156Gly]VKPHNVMIDH